The following is an entry in ClinVar:

ClinVar aggregate classification (germline): Uncertain significance. Review status: criteria provided, multiple submitters, no conflicts (2 of 4 stars). 3 submissions from 3 submitters: Uncertain significance (3). Last evaluated 2025-04-28.

Conditions:
Inborn genetic diseases. Identifiers: MedGen C0950123, MeSH D030342.
Perlman syndrome (PRLMNS). Identifiers: Orphanet 2849, MedGen C0796113, MONDO:0009965, OMIM 267000.

Allele frequency attached by ClinVar (database versions not stated): TOPMed 0.00002.
gnomAD v4.1: 17 of 1,609,808 alleles (0.0011%); highest among the groups gnomAD compares: East Asian, 0.038%; no homozygotes.

Submissions (3):

Labcorp Genetics (formerly Invitae), Labcorp
Classification: Uncertain significance for Perlman syndrome. Last evaluated: 2025-04-28. Review status: criteria provided, single submitter. Criteria: Invitae Variant Classification Sherloc (09022015). Collection method: clinical testing. Allele origin: germline.
Comment: This sequence change replaces arginine, which is basic and polar, with proline, which is neutral and non-polar, at codon 859 of the DIS3L2 protein (p.Arg859Pro). This variant is present in population databases (rs570999208, gnomAD 0.02%). This variant has not been reported in the literature in individuals affected with DIS3L2-related conditions. ClinVar contains an entry for this variant (Variation ID: 531944). An algorithm developed to predict the effect of missense changes on protein structure and function outputs the following: PolyPhen-2: "Benign". The proline amino acid residue is found in multiple mammalian species, which suggests that this missense change does not adversely affect protein function. In summary, the available evidence is currently insufficient to determine the role of this variant in disease. Therefore, it has been classified as a Variant of Uncertain Significance.

Fulgent Genetics
Classification: Uncertain significance for Perlman syndrome. Last evaluated: 2024-03-13. Review status: criteria provided, single submitter. Criteria: ACMG Guidelines, 2015. Collection method: clinical testing. Allele origin: germline.

Ambry Genetics
Classification: Uncertain significance for Inborn genetic diseases. Last evaluated: 2024-01-16. Review status: criteria provided, single submitter. Criteria: Ambry Variant Classification Scheme 2023. Collection method: clinical testing. Allele origin: germline.

NM_152383.5(DIS3L2):c.2576G>C (p.Arg859Pro)

Gene: DIS3L2 (DIS3 like 3'-5' exoribonuclease 2; plus strand). Cytogenetic location: 2q37.1.
Variant type: single nucleotide variant.
Coding change: c.2576G>C on transcript NM_152383.5 (MANE Select); coding-DNA position 2576, G replaced by C.
Protein change: p.Arg859Pro; replaces arginine 859 with proline.
Molecular consequence: missense variant. On other transcripts: non-coding transcript variant (2), intron variant (1).
Genome position (GRCh38, 1-based): chr2:232,336,548, G>C. VCF-style: chr2-232336548-G-C. GRCh37 (hg19) VCF-style: chr2-233201258-G-C.
Other names: c.1582-6797G>C (NM_001257281.2); short protein forms R859P.
Identifiers: ClinVar variation 531944 (VCV000531944.13), dbSNP rs570999208, ClinGen allele CA2164615.
Genomic context (GRCh38, chr2:232,336,548, plus strand): 5'-TGGTGGAGGTGGTCCTGCAGGCAGAGTCCACAGCCCTCAAGTACAGCGCCATCCTGAAGC[G>C]GCCAGGCACCCAGGGCCACCTGGGCCCTGAGAAGGAGGAGGAGGAGTCTGACGGTGAGCC-3'
Protein context (NP_689596.4, residues 849-869): TALKYSAILK[Arg859Pro]PGTQGHLGPE